The following is an entry in ClinVar:

ClinVar aggregate classification (germline): Conflicting classifications of pathogenicity. Review status: criteria provided, conflicting classifications (1 of 4 stars). 6 submissions from 6 submitters: Likely pathogenic (2); Uncertain significance (3). 1 of the submissions does not count toward it. Last evaluated 2026-01-29.

Conditions:
CDH23-related disorder. Also called: CDH23-related condition; CDH23-related disorders.
Hearing loss, autosomal recessive. Also called: Deafness, autosomal recessive; Rare autosomal recessive non-syndromic sensorineural deafness type DFNB; Nonsyndromic Hearing Loss, Recessive; Autosomal recessive nonsyndromic deafness. Identifiers: Orphanet 90635, Orphanet 90636, MedGen C1846647, MONDO:0019588, OMIM 607197.
Usher syndrome type 1 (USH1). Also called: RETINITIS PIGMENTOSA AND CONGENITAL DEAFNESS. Identifiers: Orphanet 231169, Orphanet 886, MedGen C1568247, MONDO:0010168, OMIM 276900.

Allele frequency attached by ClinVar (database versions not stated): gnomAD exomes 0.00001; gnomAD 0.00001; TOPMed below 0.00001; ExAC 0.00001.
gnomAD v4.1: 11 of 1,613,898 alleles (0.00068%); highest among the groups gnomAD compares: East Asian, 0.0045%; no homozygotes.

Submissions (6):

Women's Health and Genetics/Laboratory Corporation of America, LabCorp
Classification: Uncertain significance. Last evaluated: 2026-01-29. Review status: criteria provided, single submitter. Criteria: LabCorp Variant Classification Summary - May 2015. Collection method: clinical testing. Allele origin: germline.
Comment: Variant summary: CDH23 c.3820G>A (p.Glu1274Lys) results in a conservative amino acid change in the encoded protein sequence. Algorithms developed to predict the effect of missense changes on protein structure and function are either unavailable or do not agree on the potential impact of this missense change. The variant allele was found at a frequency of 8e-06 in 249258 control chromosomes. c.3820G>A has been observed in compound heterozygous individuals affected with deafness (e.g. Antunes_2024, Internal data). These data indicate that the variant may be associated with disease. To our knowledge, no experimental evidence demonstrating an impact on protein function has been reported. The following publication has been ascertained in the context of this evaluation (PMID: 39498320). ClinVar contains an entry for this variant (Variation ID: 1214943). Based on the evidence outlined above, the variant was classified as VUS-possibly pathogenic.

PreventionGenetics, part of Exact Sciences
Classification: Likely pathogenic for CDH23-related condition. Last evaluated: 2025-10-14. Review status: criteria provided, single submitter. Criteria: ACMG Guidelines, 2015. Collection method: clinical testing. Allele origin: germline.
Comment: The CDH23 c.3820G>A variant is predicted to result in the amino acid substitution p.Glu1274Lys. To our knowledge, this variant has not been reported in the literature. In ClinVar one laboratory reported this variant in trans to a pathogenic variant in a patient with hearing loss (Variation ID: 1214943). This variant is reported in 0.011% of alleles in individuals of East Asian descent in gnomAD. An alternate missense change impacting the same amino acid (p.Glu1274Val) has been reported in the homozygous state in an individual with Usher syndrome (Table S1, Bonnet et al. 2016. PubMed ID: 27460420). The c.3820G>A (p.Glu1274Lys) variant is interpreted as likely pathogenic.

Labcorp Genetics (formerly Invitae), Labcorp
Classification: Uncertain significance. Last evaluated: 2024-11-11. Review status: criteria provided, single submitter. Criteria: Invitae Variant Classification Sherloc (09022015). Collection method: clinical testing. Allele origin: germline.
Comment: This sequence change replaces glutamic acid, which is acidic and polar, with lysine, which is basic and polar, at codon 1274 of the CDH23 protein (p.Glu1274Lys). This variant is present in population databases (rs775540526, gnomAD 0.01%). This missense change has been observed in individual(s) with deafness (internal data). In at least one individual the data is consistent with being in trans (on the opposite chromosome) from a pathogenic variant. ClinVar contains an entry for this variant (Variation ID: 1214943). Invitae Evidence Modeling of protein sequence and biophysical properties (such as structural, functional, and spatial information, amino acid conservation, physicochemical variation, residue mobility, and thermodynamic stability) has been performed for this missense variant. However, the output from this modeling did not meet the statistical confidence thresholds required to predict the impact of this variant on CDH23 protein function. This variant disrupts the p.Glu1274 amino acid residue in CDH23. Other variant(s) that disrupt this residue have been observed in individuals with CDH23-related conditions (PMID: 27460420), which suggests that this may be a clinically significant amino acid residue. In summary, the available evidence is currently insufficient to determine the role of this variant in disease. Therefore, it has been classified as a Variant of Uncertain Significance.

Laboratory of Human Genetics, Universidade de São Paulo
Classification: Likely pathogenic for Hearing loss, autosomal recessive. Last evaluated: 2024-05-01. Review status: criteria provided, single submitter. Criteria: ClinGen HL ACMG Specifications v1. Collection method: research. Allele origin: paternal. Affected: yes. Observed: 2 variant alleles.
Comment: The CDH23:NM_022124.6:c.3820G>A has extremely low frequency in gnomAD population databases (PM2), it is associated with a recessive disorder amd detected in trans with a pathogenic variant in compound heterozygous state in affected cases (PM3), Cosegregation with disease in two affected family members in a gene definitively known to cause the disease (PP1), computational prediction tools unanimously support a deleterious effect on the gene (PP3). Here it was found in trans with c.7903G>T in two affected siblings, born from unaffected unrelated couple.

GeneDx
Classification: Uncertain significance. Last evaluated: 2020-01-22. Review status: criteria provided, single submitter. Criteria: GeneDx Variant Classification Process June 2021. Collection method: clinical testing. Allele origin: germline. Affected: yes.
Comment: In silico analysis, which includes protein predictors and evolutionary conservation, supports that this variant does not alter protein structure/function; Has not been previously published as pathogenic or benign to our knowledge

Natera, Inc.
Classification: Uncertain significance for Usher syndrome type 1. Last evaluated: 2020-01-24. Review status: no assertion criteria provided. Collection method: clinical testing. Allele origin: germline. Not counted in ClinVar's aggregate classification.

Literature cited by the submitters: PubMed 39498320 (cited by Women's Health and Genetics/Laboratory Corporation of America, LabCorp); PubMed 27460420 (cited by Labcorp Genetics (formerly Invitae), Labcorp).

NM_022124.6(CDH23):c.3820G>A (p.Glu1274Lys)

Genes: C10orf105 (chromosome 10 open reading frame 105; minus strand), CDH23 (cadherin related 23; plus strand). Cytogenetic location: 10q22.1.
Variant type: single nucleotide variant.
Coding change: c.3820G>A on transcript NM_022124.6 (MANE Select); coding-DNA position 3820, G replaced by A.
Protein change: p.Glu1274Lys; replaces glutamic acid 1274 with lysine.
Molecular consequence: missense variant. On other transcripts: intron variant (1).
Genome position (GRCh38, 1-based): chr10:71,732,091, G>A. VCF-style: chr10-71732091-G-A. GRCh37 (hg19) VCF-style: chr10-73491848-G-A.
Other names: c.3820G>A, p.Glu1274Lys (NM_001171930.2); c.-6+5637C>T (NM_001168390.2); short protein forms E1274K.
Identifiers: ClinVar variation 1214943 (VCV001214943.13), dbSNP rs775540526, ClinGen allele CA5544852.